The following is an entry in ClinVar:

NM_144997.7(FLCN):c.1430G>A (p.Arg477Gln)

Gene: FLCN (folliculin; minus strand). Cytogenetic location: 17p11.2.
Variant type: single nucleotide variant.
Coding change: c.1430G>A on transcript NM_144997.7 (MANE Select); coding-DNA position 1430, G replaced by A.
Protein change: p.Arg477Gln; replaces arginine 477 with glutamine.
Molecular consequence: missense variant.
Genome position (GRCh38, 1-based): chr17:17,215,187, C>T on the plus strand (G>A on the coding strand, the complement: FLCN is on the minus strand). VCF-style: chr17-17215187-C-T. GRCh37 (hg19) VCF-style: chr17-17118501-C-T.
Other names: c.1430G>A (LRG_325t1, NM_144997.6); c.1484G>A, p.Arg495Gln (NM_001353229.2); c.1430G>A, p.Arg477Gln (NM_001353230.2, NM_001353231.2); short protein forms R477Q, R495Q.
Identifiers: ClinVar variation 322061 (VCV000322061.24), dbSNP rs748878853, ClinGen allele CA8416005.

ClinVar aggregate classification (germline): Conflicting classifications of pathogenicity. Review status: criteria provided, conflicting classifications (1 of 4 stars). 9 submissions from 9 submitters: Uncertain significance (7); Benign (1); Likely benign (1). Last evaluated 2026-01-31.

Conditions:
Birt-Hogg-Dube syndrome. Also called: Birt Hogg Dubé syndrome. Identifiers: Orphanet 122, MedGen C0346010, MONDO:0800444.
Birt-Hogg-Dube syndrome 1 (BHD1). Also called: FIBROFOLLICULOMAS WITH TRICHODISCOMAS AND ACROCHORDONS. Identifiers: Orphanet 122, MedGen CN375946, MONDO:0800445, OMIM 135150.
Nonpapillary renal cell carcinoma. Identifiers: Orphanet 422526, MedGen CN074294, MONDO:0007763, OMIM 144700.
Familial spontaneous pneumothorax (PSP). Identifiers: Orphanet 2903, MedGen C1868193, MONDO:0008259, OMIM 173600.
17p11.2 microduplication syndrome (PTLS). Also called: CHROMOSOME 17p11.2 DUPLICATION SYNDROME; Potocki-Lupski syndrome; Duplication 17p11.2 syndrome; Potocki-Lupski syndrome (dup(17)(p11.2p11.2)). Identifiers: Orphanet 1713, MedGen C2931246, MONDO:0012574, OMIM 610883.
Carcinoma of colon (CRC). Also called: Colonic carcinoma; Colon carcinoma. Identifiers: MedGen C0699790, MONDO:0002032.
Hereditary cancer-predisposing syndrome. Also called: Tumor predisposition; Hereditary neoplastic syndrome; Hereditary Cancer Syndrome; Neoplastic Syndromes, Hereditary. Identifiers: Orphanet 140162, MedGen C0027672, MeSH D009386, MONDO:0015356.

Allele frequency attached by ClinVar (database versions not stated): gnomAD exomes 0.00003 and 0.00004; TOPMed 0.00001; ExAC 0.00003; gnomAD 0.00003.
gnomAD v4.1: 41 of 1,613,980 alleles (0.0025%); highest among the groups gnomAD compares: Admixed American, 0.0033%; no homozygotes.

Submissions (9):

Labcorp Genetics (formerly Invitae), Labcorp
Classification: Uncertain significance for Birt-Hogg-Dube syndrome. Last evaluated: 2026-01-31. Review status: criteria provided, single submitter. Criteria: Invitae Variant Classification Sherloc (09022015). Collection method: clinical testing. Allele origin: germline.
Comment: This sequence change replaces arginine, which is basic and polar, with glutamine, which is neutral and polar, at codon 477 of the FLCN protein (p.Arg477Gln). The frequency data for this variant in the population databases is considered unreliable, as metrics indicate poor data quality at this position in the gnomAD database. This variant has not been reported in the literature in individuals affected with FLCN-related conditions. ClinVar contains an entry for this variant (Variation ID: 322061). An algorithm developed to predict the effect of missense changes on protein structure and function (PolyPhen-2) suggests that this variant is likely to be tolerated. RNA analysis performed to evaluate the impact of this missense change on mRNA splicing indicates it does not significantly alter splicing (internal data). In summary, the available evidence is currently insufficient to determine the role of this variant in disease. Therefore, it has been classified as a Variant of Uncertain Significance.

Dasa
Classification: Uncertain significance. Last evaluated: 2025-09-11. Review status: criteria provided, single submitter. Criteria: DASA Assertion Criteria. Collection method: clinical testing. Allele origin: germline.
Comment: NM_144997.7(FLCN):c.1430G>A (p.Arg477Gln) is a missense variant that results in the substitution of arginine with glutamine. This variant is rare in population databases. The currently available literature and clinical evidence are not sufficient to establish a definitive association between this variant and the reported condition. Therefore, this variant is classified as a variant of uncertain significance.

Myriad Genetics, Inc.
Classification: Likely benign for Birt-Hogg-Dube syndrome 1. Last evaluated: 2024-10-25. Review status: criteria provided, single submitter. Criteria: Myriad Autosomal Dominant, Autosomal Recessive and X-Linked Classification Criteria (2023). Collection method: clinical testing. Allele origin: unknown.
Comment: This variant is considered likely benign. This variant has been observed at a population frequency that is significantly greater than expected given the associated disease prevalence and penetrance.

GeneDx
Classification: Uncertain significance. Last evaluated: 2023-05-10. Review status: criteria provided, single submitter. Criteria: GeneDx Variant Classification Process June 2021. Collection method: clinical testing. Allele origin: germline. Affected: yes.
Comment: In silico analysis supports that this missense variant does not alter protein structure/function; Has not been previously published as pathogenic or benign to our knowledge; This variant is associated with the following publications: (PMID: 17028174)

Quest Diagnostics Nichols Institute San Juan Capistrano
Classification: Uncertain significance. Last evaluated: 2022-09-16. Review status: criteria provided, single submitter. Criteria: Quest Diagnostics criteria. Collection method: clinical testing. Allele origin: unknown.
Comment: To the best of our knowledge, the variant has not been reported in the published literature. The frequency of this variant in the general population, 0.000085 (11/129108 chromosomes in European (Non-Finnish) subpopulation), is higher than would generally be expected for pathogenic variants in this gene. Analysis of this variant using bioinformatics tools for the prediction of the effect of amino acid changes on protein structure and function yielded predictions that this variant is benign. Based on the available information, we are unable to determine the clinical significance of this variant.

Ambry Genetics
Classification: Benign for Hereditary cancer-predisposing syndrome. Last evaluated: 2021-12-10. Review status: criteria provided, single submitter. Criteria: Ambry Variant Classification Scheme 2023. Collection method: clinical testing. Allele origin: germline.

Institute for Clinical Genetics, University Hospital TU Dresden, University Hospital TU Dresden
Classification: Uncertain significance. Last evaluated: 2021-11-03. Review status: criteria provided, single submitter. Criteria: ACMG Guidelines, 2015. Collection method: clinical testing. Allele origin: germline.

Sema4
Classification: Uncertain significance for Hereditary cancer-predisposing syndrome. Last evaluated: 2021-09-15. Review status: criteria provided, single submitter. Criteria: Sema4 Curation Guidelines. Collection method: curation. Allele origin: germline.
Comment: The FLCN c.1430G>A (p.R477Q) variant has not been reported in the literature to our knowledge. It was observed in 11/129108 chromosomes of the Non-Finnish European subpopulation, with no homozygotes, in the Genome Aggregation Database (PMID: 32461654). The variant has been reported in ClinVar (Variation ID 322061). Functional studies have not been performed, and in silico predictions of the variant's effect on protein function are inconclusive. The evidence is insufficient to meet ACMG/AMP criteria for classifying the variant as benign or pathogenic. Thus, the clinical significance of this variant is currently uncertain.

Fulgent Genetics
Classification: Uncertain significance for Colorectal cancer; Birt-Hogg-Dube syndrome 1; Nonpapillary renal cell carcinoma; Familial spontaneous pneumothorax; 17p11.2 microduplication syndrome. Last evaluated: 2018-10-31. Review status: criteria provided, single submitter. Criteria: ACMG Guidelines, 2015. Collection method: clinical testing. Allele origin: unknown.